The following is an entry in ClinVar:

ClinVar aggregate classification (germline): Benign. Review status: criteria provided, multiple submitters, no conflicts (2 of 4 stars). 3 submissions from 3 submitters: Benign (3). Last evaluated 2024-11-01.

Allele frequency attached by ClinVar (database versions not stated): gnomAD 0.00252; TOPMed 0.00316; 1000 Genomes Project 0.00319; 1000 Genomes Project 30x 0.00390; ESP Exome Variant Server 0.00454; gnomAD exomes 0.00549.
gnomAD v4.1: 8,456 of 1,613,148 alleles (0.52%); highest among the groups gnomAD compares: South Asian, 1.3%; 49 homozygotes.

Submissions (3):

CeGaT Center for Human Genetics Tuebingen
Classification: Benign. Last evaluated: 2024-11-01. Review status: criteria provided, single submitter. Criteria: CeGaT Center For Human Genetics Tuebingen Variant Classification Criteria Version 2. Collection method: clinical testing. Allele origin: germline. Affected: yes. Observed: 1 variant allele.
Comment: CHD1L: BP4, BP7, BS1, BS2; ENSG00000237188: BS1, BS2

Labcorp Genetics (formerly Invitae), Labcorp
Classification: Benign. Last evaluated: 2018-11-15. Review status: criteria provided, single submitter. Criteria: Invitae Variant Classification Sherloc (09022015). Collection method: clinical testing. Allele origin: germline.

Breakthrough Genomics
Classification: Benign. Review status: criteria provided, single submitter. Criteria: ACMG Guidelines, 2015. Collection method: not provided. Allele origin: germline. Inheritance: Unknown mechanism. Affected: yes.

NM_004284.6(CHD1L):c.1986G>A (p.Lys662=)

Gene: CHD1L (chromodomain helicase DNA binding protein 1 like; plus strand). Cytogenetic location: 1q21.1.
Variant type: single nucleotide variant.
Coding change: c.1986G>A on transcript NM_004284.6 (MANE Select); coding-DNA position 1986, G replaced by A.
Protein change: p.Lys662=; no amino-acid change (lysine 662 retained).
Molecular consequence: synonymous variant. On other transcripts: non-coding transcript variant (16).
Genome position (GRCh38, 1-based): chr1:147,285,455, G>A. VCF-style: chr1-147285455-G-A. GRCh37 (hg19) VCF-style: chr1-146757132-G-A.
Other names: c.1686G>A, p.Lys562= (NM_001256336.3); c.1143G>A, p.Lys381= (NM_001256337.3, NM_001348456.2, NM_001348457.2 and 9 more transcripts); c.1374G>A, p.Lys458= (NM_001256338.3); c.1770G>A, p.Lys590= (NM_001348451.2, NM_001348452.2); c.1647G>A, p.Lys549= (NM_001348453.2, NM_024568.4); c.1530G>A, p.Lys510= (NM_001348454.2); c.1497G>A, p.Lys499= (NM_001348455.2).
Identifiers: ClinVar variation 774398 (VCV000774398.17), dbSNP rs142236750, ClinGen allele CA1063905.
Genomic context (GRCh38, chr1:147,285,455, plus strand): 5'-CAGACAGAAGAAAAGACAAGAAGCAGCTGCCAAGAGAAGGAGACTCATAGAGGAGAAGAA[G>A]AGGCAAAAGGAAGAGGCTGAACATAAGAAAAAGTATGTCTGCGTTAACCAAGCTGGCGGC-3'
Protein context (NP_004275.4, residues 652-672): AKRRRLIEEK[Lys662=]RQKEEAEHKK